The following is an entry in ClinVar:

NM_014795.4(ZEB2):c.-69-729A>C

Gene: ZEB2 (zinc finger E-box binding homeobox 2; minus strand). Cytogenetic location: 2q22.3.
Variant type: single nucleotide variant.
Coding change: c.-69-729A>C on transcript NM_014795.4 (MANE Select); 729 bases into the intron before 69 bases upstream of the start codon, A replaced by C.
Molecular consequence: intron variant.
Genome position (GRCh38, 1-based): chr2:144,518,148, T>G on the plus strand (A>C on the coding strand, the complement: ZEB2 is on the minus strand). VCF-style: chr2-144518148-T-G. GRCh37 (hg19) VCF-style: chr2-145275715-T-G.
Other names: c.-69-729A>C (NM_001171653.2).
Identifiers: ClinVar variation 1694967 (VCV001694967.31), dbSNP rs538269684, ClinGen allele CA57810004.

ClinVar aggregate classification (germline): Likely benign (1 of 4 stars; one submission).

Allele frequency attached by ClinVar (database versions not stated): 1000 Genomes Project 0.00060; 1000 Genomes Project 30x 0.00062; gnomAD exomes 0.00153; TOPMed 0.00190; gnomAD 0.00255 and 0.00264.
gnomAD v4.1: 349 of 136,862 alleles (0.26%); highest among the groups gnomAD compares: Middle Eastern, 1.2%; no homozygotes.

Submission:

CeGaT Center for Human Genetics Tuebingen
Classification: Likely benign. Last evaluated: 2023-06-01. Review status: criteria provided, single submitter. Criteria: CeGaT Center For Human Genetics Tuebingen Variant Classification Criteria Version 2. Collection method: clinical testing. Allele origin: germline. Affected: yes. Observed: 8 variant alleles.
Comment: ZEB2: BS1